The following is an entry in ClinVar:

NM_020401.4(NUP107):c.2162C>T (p.Ala721Val)

Gene: NUP107 (nucleoporin 107; plus strand). Cytogenetic location: 12q15.
Variant type: single nucleotide variant.
Coding change: c.2162C>T on transcript NM_020401.4 (MANE Select); coding-DNA position 2162, C replaced by T.
Protein change: p.Ala721Val; replaces alanine 721 with valine.
Molecular consequence: missense variant.
Genome position (GRCh38, 1-based): chr12:68,733,512, C>T. VCF-style: chr12-68733512-C-T. GRCh37 (hg19) VCF-style: chr12-69127292-C-T.
Other names: c.2162C>T (NM_020401.2); c.2075C>T, p.Ala692Val (NM_001330192.2); short protein forms A692V, A721V.
Identifiers: ClinVar variation 1939851 (VCV001939851.6), dbSNP rs779177579, ClinGen allele CA6678057.

ClinVar aggregate classification (germline): Uncertain significance. Review status: criteria provided, multiple submitters, no conflicts (2 of 4 stars). 2 submissions from 2 submitters: Uncertain significance (2). Last evaluated 2025-09-28.

Conditions:
Inborn genetic diseases. Identifiers: MedGen C0950123, MeSH D030342.

Allele frequency attached by ClinVar (database versions not stated): gnomAD exomes 0.00001; ExAC 0.00002; gnomAD 0.00003; TOPMed 0.00003.
gnomAD v4.1: 24 of 1,612,916 alleles (0.0015%); highest among the groups gnomAD compares: Non-Finnish European, 0.0018%; no homozygotes.

Submissions (2):

Ambry Genetics
Classification: Uncertain significance for Inborn genetic diseases. Last evaluated: 2025-09-28. Review status: criteria provided, single submitter. Criteria: Ambry Variant Classification Scheme 2023. Collection method: clinical testing. Allele origin: germline.

Labcorp Genetics (formerly Invitae), Labcorp
Classification: Uncertain significance. Last evaluated: 2023-11-27. Review status: criteria provided, single submitter. Criteria: Invitae Variant Classification Sherloc (09022015). Collection method: clinical testing. Allele origin: germline.
Comment: This sequence change replaces alanine, which is neutral and non-polar, with valine, which is neutral and non-polar, at codon 721 of the NUP107 protein (p.Ala721Val). This variant is present in population databases (rs779177579, gnomAD 0.009%). This variant has not been reported in the literature in individuals affected with NUP107-related conditions. ClinVar contains an entry for this variant (Variation ID: 1939851). Advanced modeling of protein sequence and biophysical properties (such as structural, functional, and spatial information, amino acid conservation, physicochemical variation, residue mobility, and thermodynamic stability) performed at Invitae indicates that this missense variant is not expected to disrupt NUP107 protein function with a negative predictive value of 80%. In summary, the available evidence is currently insufficient to determine the role of this variant in disease. Therefore, it has been classified as a Variant of Uncertain Significance.